The following is an entry in ClinVar:

NM_015331.3(NCSTN):c.996+7G>A

Gene: NCSTN (nicastrin; plus strand). Cytogenetic location: 1q23.2.
Variant type: single nucleotide variant.
Coding change: c.996+7G>A on transcript NM_015331.3 (MANE Select); 7 bases into the intron after coding-DNA position 996, G replaced by A.
Molecular consequence: intron variant.
Genome position (GRCh38, 1-based): chr1:160,352,213, G>A. VCF-style: chr1-160352213-G-A. GRCh37 (hg19) VCF-style: chr1-160322003-G-A.
Other names: c.996+7G>A (NM_015331.2, NM_001349729.2); c.936+7G>A (NM_001290184.2); c.583-674G>A (NM_001290186.2).
Identifiers: ClinVar variation 1165454 (VCV001165454.20), dbSNP rs202046846, ClinGen allele CA1198855.

ClinVar aggregate classification (germline): Conflicting classifications of pathogenicity. Review status: criteria provided, conflicting classifications (1 of 4 stars). 5 submissions from 5 submitters: Uncertain significance (1); Benign (1); Likely benign (2). 1 of the submissions does not count toward it. Last evaluated 2026-01-29.

Conditions:
NCSTN-related disorder. Also called: NCSTN-related condition.
Acne inversa, familial, 1. Identifiers: MedGen C4551962, MONDO:0007728, OMIM 142690.

Allele frequency attached by ClinVar (database versions not stated): gnomAD exomes 0.00040; gnomAD 0.00041 and 0.00044; ExAC 0.00043; TOPMed 0.00044; ESP Exome Variant Server 0.00062.
gnomAD v4.1: 830 of 1,613,890 alleles (0.051%); highest among the groups gnomAD compares: Non-Finnish European, 0.064%; no homozygotes.

Submissions (5):

Labcorp Genetics (formerly Invitae), Labcorp
Classification: Benign. Last evaluated: 2026-01-29. Review status: criteria provided, single submitter. Criteria: Invitae Variant Classification Sherloc (09022015). Collection method: clinical testing. Allele origin: germline.

CeGaT Center for Human Genetics Tuebingen
Classification: Likely benign. Last evaluated: 2025-02-01. Review status: criteria provided, single submitter. Criteria: CeGaT Center For Human Genetics Tuebingen Variant Classification Criteria Version 2. Collection method: clinical testing. Allele origin: germline. Affected: yes. Observed: 1 variant allele.
Comment: NCSTN: BP4, BS2

Blueprint Genetics
Classification: Likely benign. Last evaluated: 2024-11-25. Review status: criteria provided, single submitter. Criteria: ACMG Guidelines, 2015. Collection method: clinical testing. Allele origin: germline.

New York Genome Center
Classification: Uncertain significance for Acne inversa, familial, 1. Last evaluated: 2021-01-29. Review status: criteria provided, single submitter. Criteria: NYGC Assertion Criteria 2020. Collection method: clinical testing. Allele origin: inherited. Observed: 1 heterozygote. Study: CSER-NYCKidSeq.

PreventionGenetics, part of Exact Sciences
Classification: Likely benign for NCSTN-related condition. Last evaluated: 2023-12-26. Review status: no assertion criteria provided. Collection method: clinical testing. Allele origin: germline. Not counted in ClinVar's aggregate classification.
Comment: This variant is classified as likely benign based on ACMG/AMP sequence variant interpretation guidelines (Richards et al. 2015 PMID: 25741868, with internal and published modifications).